The following is an entry in ClinVar:

ClinVar aggregate classification (germline): Conflicting classifications of pathogenicity. Review status: criteria provided, conflicting classifications (1 of 4 stars). 5 submissions from 5 submitters: Uncertain significance (4); Likely benign (1). Last evaluated 2023-08-29.

Conditions:
Hereditary breast ovarian cancer syndrome. Also called: Hereditary breast and ovarian cancer; Hereditary breast and ovarian cancer syndrome; Breast and ovarian cancer; Hereditary breast and ovarian cancer syndrome (HBOC); Hereditary breast and/or ovarian cancer syndrome; BRCA1- and BRCA2-Associated Hereditary Breast and Ovarian Cancer. Identifiers: Orphanet 145, MedGen C0677776, MeSH D061325, MONDO:0003582. Disease mechanism: loss of function.
Hereditary cancer-predisposing syndrome. Also called: Hereditary Cancer Syndrome; Neoplastic Syndromes, Hereditary; Tumor predisposition; Hereditary neoplastic syndrome. Identifiers: Orphanet 140162, MedGen C0027672, MeSH D009386, MONDO:0015356.
Breast-ovarian cancer, familial, susceptibility to, 2 (BROVCA2). Also called: BRCA2 Hereditary Breast and Ovarian Cancer. Identifiers: Orphanet 145, MedGen C2675520, MONDO:0012933, OMIM 612555. Disease mechanism: loss of function.

Allele frequency attached by ClinVar (database versions not stated): gnomAD exomes below 0.00001; ExAC 0.00001; gnomAD 0.00001; TOPMed 0.00001.
gnomAD v4.1: 3 of 1,595,534 alleles (0.00019%); highest among the groups gnomAD compares: African/African-American, 0.0041%; no homozygotes.

Submissions (5):

Ambry Genetics
Classification: Uncertain significance for Hereditary cancer-predisposing syndrome. Last evaluated: 2023-08-29. Review status: criteria provided, single submitter. Criteria: Ambry Variant Classification Scheme 2023. Collection method: clinical testing. Allele origin: germline.
Comment: The p.T515A variant (also known as c.1543A>G), located in coding exon 9 of the BRCA2 gene, results from an A to G substitution at nucleotide position 1543. The threonine at codon 515 is replaced by alanine, an amino acid with similar properties. This amino acid position is poorly conserved in available vertebrate species. In addition, this alteration is predicted to be tolerated by in silico analysis. Since supporting evidence is limited at this time, the clinical significance of this alteration remains unclear.

All of Us Research Program, National Institutes of Health
Classification: Uncertain significance for Breast-ovarian cancer, familial, susceptibility to, 2. Last evaluated: 2023-03-28. Review status: criteria provided, single submitter. Criteria: ACMG Guidelines, 2015. Collection method: clinical testing. Allele origin: germline. Inheritance: Autosomal dominant inheritance. Observed: 1 variant allele, 1 heterozygote.
Comment: This study involves interpretation of variants in research participants for the purpose of population health screening. Participant phenotype was not available at the time of variant classification. Additional details can be found in publication PMID: 35346344, PMCID: PMC8962531

University of Washington Department of Laboratory Medicine, University of Washington
Classification: Likely benign for Hereditary cancer-predisposing syndrome. Last evaluated: 2023-03-23. Review status: criteria provided, single submitter. Criteria: Dines et al. (Genet Med. 2020). Collection method: curation. Allele origin: germline.
Comment: Missense variant in a coldspot region where missense variants are very unlikely to be pathogenic (PMID:31911673).

BRCA2 exon 10 coldspot. Reclassification based on statistical prior probability.

Labcorp Genetics (formerly Invitae), Labcorp
Classification: Uncertain significance for Hereditary breast ovarian cancer syndrome. Last evaluated: 2022-09-17. Review status: criteria provided, single submitter. Criteria: Invitae Variant Classification Sherloc (09022015). Collection method: clinical testing. Allele origin: germline.
Comment: In summary, the available evidence is currently insufficient to determine the role of this variant in disease. Therefore, it has been classified as a Variant of Uncertain Significance. Advanced modeling of protein sequence and biophysical properties (such as structural, functional, and spatial information, amino acid conservation, physicochemical variation, residue mobility, and thermodynamic stability) performed at Invitae indicates that this missense variant is not expected to disrupt BRCA2 protein function. ClinVar contains an entry for this variant (Variation ID: 186550). This variant is present in population databases (rs749469486, gnomAD 0.007%). This sequence change replaces threonine, which is neutral and polar, with alanine, which is neutral and non-polar, at codon 515 of the BRCA2 protein (p.Thr515Ala). This variant has not been reported in the literature in individuals affected with BRCA2-related conditions.

GeneDx
Classification: Uncertain significance. Last evaluated: 2022-05-24. Review status: criteria provided, single submitter. Criteria: GeneDx Variant Classification Process June 2021. Collection method: clinical testing. Allele origin: germline. Affected: yes.
Comment: Not observed at significant frequency in large population cohorts (gnomAD); In silico analysis supports that this missense variant does not alter protein structure/function; Has not been previously published as pathogenic or benign to our knowledge; Also known as 1771A>G

NM_000059.4(BRCA2):c.1543A>G (p.Thr515Ala)

Gene: BRCA2 (BRCA2 DNA repair associated; plus strand). Cytogenetic location: 13q13.1.
Variant type: single nucleotide variant.
Coding change: c.1543A>G on transcript NM_000059.4 (MANE Select); coding-DNA position 1543, A replaced by G.
Protein change: p.Thr515Ala; replaces threonine 515 with alanine.
Molecular consequence: missense variant.
Genome position (GRCh38, 1-based): chr13:32,333,021, A>G. VCF-style: chr13-32333021-A-G. GRCh37 (hg19) VCF-style: chr13-32907158-A-G.
Other names: short protein forms T515A.
Identifiers: ClinVar variation 186550 (VCV000186550.21), dbSNP rs749469486, ClinGen allele CA012345.